The following is an entry in ClinVar:

ClinVar aggregate classification (germline): Uncertain significance (1 of 4 stars; one submission).

Submission:

GeneDx
Classification: Uncertain significance. Last evaluated: 2026-03-06. Review status: criteria provided, single submitter. Criteria: GeneDx Variant Classification Process June 2021. Collection method: clinical testing. Allele origin: germline.
Comment: Not observed at significant frequency in large population cohorts (gnomAD); In silico analysis supports that this missense variant has a deleterious effect on protein structure/function; Has not been previously published as pathogenic or benign to our knowledge

NM_001009944.3(PKD1):c.10013T>G (p.Leu3338Arg)

Gene: PKD1 (polycystin 1, transient receptor potential channel interacting; minus strand). Cytogenetic location: 16p13.3.
Variant type: single nucleotide variant.
Coding change: c.10013T>G on transcript NM_001009944.3 (MANE Select); coding-DNA position 10013, T replaced by G.
Protein change: p.Leu3338Arg; replaces leucine 3338 with arginine.
Molecular consequence: missense variant.
Genome position (GRCh38, 1-based): chr16:2,099,681, A>C on the plus strand (T>G on the coding strand, the complement: PKD1 is on the minus strand). VCF-style: chr16-2099681-A-C. GRCh37 (hg19) VCF-style: chr16-2149682-A-C.
Other names: c.10013T>G, p.Leu3338Arg (NM_000296.4); short protein forms L3338R.
Identifiers: ClinVar variation 5008272 (VCV005008272.1).